The following is an entry in ClinVar:

ClinVar aggregate classification (germline): Uncertain significance (1 of 4 stars; one submission).

Conditions:
Inborn genetic diseases. Identifiers: MedGen C0950123, MeSH D030342.

Submission:

Ambry Genetics
Classification: Uncertain significance for Inborn genetic diseases. Last evaluated: 2020-06-30. Review status: criteria provided, single submitter. Criteria: Ambry Variant Classification Scheme 2023. Collection method: clinical testing. Allele origin: germline.
Comment: The c.6608_6610delAAG variant (also known as p.E2203del) is located in coding exon 44 of the DST gene. This variant results from an in-frame deletion of 3 nucleotides at positions 6608 to 6610. This results in the in-frame deletion of a glutamic acid at codon 2203. This amino acid position is highly conserved in available vertebrate species. In addition, this alteration is predicted to be deleterious by in silico analysis (Choi Y et al. PLoS ONE. 2012; 7(10):e46688). Since supporting evidence is limited at this time, the clinical significance of this alteration remains unclear.

Literature cited by the submitters: PubMed 23056405.

NM_001374736.1(DST):c.12965_12967del (p.Glu4322del)

Gene: DST (dystonin; minus strand). Cytogenetic location: 6p12.1.
Variant type: Deletion.
Coding change: c.12965_12967del on transcript NM_001374736.1 (MANE Select); coding-DNA positions 12965 to 12967, 3 bases deleted (AAG; older notation c.12965_12967delAAG).
Protein change: p.Glu4322del; deletes glutamic acid 4322.
Molecular consequence: inframe deletion.
Genome position (GRCh38, 1-based): chr6:56,578,874-56,578,876, CTT deleted on the plus strand (AAG on the coding strand, the reverse complement: DST is on the minus strand); deleting any 3 consecutive bases within chr6:56,578,874-56,578,877 gives the same sequence; the c. name uses the placement nearest the transcript's 3' end. VCF-style (leftmost placement, unchanged base first): chr6-56578873-ACTT-A. GRCh37 (hg19) VCF-style: chr6-56443671-ACTT-A.
Other names: c.6608_6610del, p.Glu2203del (NM_001144769.5); c.6194_6196del, p.Glu2065del (NM_001144770.2); c.12965_12967del, p.Glu4322del (NM_001374722.1); c.12332_12334del, p.Glu4111del (NM_001374729.1); c.6074_6076del, p.Glu2025del (NM_001374730.1, NM_001386100.1, NM_183380.4); c.12992_12994del, p.Glu4331del (NM_001374734.1); c.5096_5098del, p.Glu1699del (NM_015548.5); short protein forms E2065del, E4111del, E2203del, E4331del, E1699del, E2025del, E4322del.
Identifiers: ClinVar variation 1754443 (VCV001754443.2), dbSNP rs2535864112, ClinGen allele CA2580075573.